The following is an entry in ClinVar:

NM_001267550.2(TTN):c.52001dup (p.Arg17335fs)

Genes: TTN (titin; minus strand), TTN-AS1 (TTN antisense RNA 1; plus strand). Cytogenetic location: 2q31.2.
Variant type: Duplication.
Coding change: c.52001dup on transcript NM_001267550.2 (MANE Select); coding-DNA position 52001, one base duplicated (T; older notation c.52001dupT).
Protein change: p.Arg17335fs; shifts the reading frame from arginine 17335.
Molecular consequence: frameshift variant.
Genome position (GRCh38, 1-based): chr2:178,609,309, A duplicated on the plus strand (T on the coding strand, the reverse complement: TTN is on the minus strand). VCF-style (leftmost placement, unchanged base first): chr2-178609308-T-TA. GRCh37 (hg19) VCF-style: chr2-179474035-T-TA.
Other names: c.47078dup, p.Arg15694fs (NM_001256850.1); c.24806dup, p.Arg8270fs (NM_003319.4); c.44297dup, p.Arg14767fs (NM_133378.4); c.25181dup, p.Arg8395fs (NM_133432.3); c.25382dup, p.Arg8462fs (NM_133437.4); c.24806dupT (NM_003319.4); short protein forms R14767fs, R15694fs, R17335fs, R8270fs, R8395fs, R8462fs.
Identifiers: ClinVar variation 4866223 (VCV004866223.1).
Genomic context (GRCh38, chr2:178,609,308, plus strand): 5'-GTCATTTTCAACTTTGATCATATACAGACCATGGTCAGGTCGGAGAGAATCTCGGACGCG[T>TA]AGCTGAGATTCTCCCTTTTTGCTGTTGTCAATACTCAAACGCTGTGTCAGAGGCAGGACA-3'

ClinVar aggregate classification (germline): Likely pathogenic (1 of 4 stars; one submission).

Conditions:
Cardiovascular phenotype. Identifiers: MedGen CN230736.

Submission:

Ambry Genetics
Classification: Likely pathogenic for Cardiovascular phenotype. Last evaluated: 2026-05-11. Review status: criteria provided, single submitter. Criteria: Ambry Variant Classification Scheme 2023. Collection method: clinical testing. Allele origin: germline.
Comment: The c.24806dupT variant, located in coding exon 100 of the TTN gene, results from a duplication of T at nucleotide position 24806, causing a translational frameshift with a predicted alternate stop codon (p.R8270Tfs*9). This exon is located in the A-band region of the N2-B isoform of the titin protein and is constitutively expressed in TTN transcripts (percent spliced in or PSI 100%). This variant was reported in individual(s) with features consistent with dilated cardiomyopathy (Ambry internal data). This variant is considered to be rare based on population cohorts in the Genome Aggregation Database (gnomAD). This variant is expected to result in loss of function by premature protein truncation or nonsense-mediated mRNA decay. While truncating variants in TTN are present in 1-3% of the general population, truncating variants in the A-band are the most common cause of dilated cardiomyopathy (Herman DS et al. N. Engl. J. Med., 2012 Feb;366:619-28; Roberts AM et al. Sci Transl Med, 2015 Jan;7:270ra6). TTN truncating variants encoded in constitutive exons (PSI >90%) have been found to be significantly associated with DCM regardless of their position in titin (Schafer S et al. Nat. Genet., 2017 01;49:46-53; Akhtar MM et al. Circ Heart Fail, 2020 Oct;13:e006832; Massier M et al. Clin Genet, 2025 Jan). Based on the majority of available evidence to date, this variant is likely to be pathogenic.